The following is an entry in ClinVar:

NM_000452.3(SLC10A2):c.314G>T (p.Cys105Phe)

Gene: SLC10A2 (solute carrier family 10 member 2; minus strand). Cytogenetic location: 13q33.1.
Variant type: single nucleotide variant.
Coding change: c.314G>T on transcript NM_000452.3 (MANE Select); coding-DNA position 314, G replaced by T.
Protein change: p.Cys105Phe; replaces cysteine 105 with phenylalanine.
Molecular consequence: missense variant.
Genome position (GRCh38, 1-based): chr13:103,065,936, C>A on the plus strand (G>T on the coding strand, the complement: SLC10A2 is on the minus strand). VCF-style: chr13-103065936-C-A. GRCh37 (hg19) VCF-style: chr13-103718286-C-A.
Other names: short protein forms C105F.
Identifiers: ClinVar variation 3711004 (VCV003711004.2).

ClinVar aggregate classification (germline): Uncertain significance (1 of 4 stars; one submission).

gnomAD v4.1: 7 of 1,614,056 alleles (0.00043%); highest among the groups gnomAD compares: Non-Finnish European, 0.00042%; no homozygotes.

Submission:

Labcorp Genetics (formerly Invitae), Labcorp
Classification: Uncertain significance. Last evaluated: 2025-09-23. Review status: criteria provided, single submitter. Criteria: Invitae Variant Classification Sherloc (09022015). Collection method: clinical testing. Allele origin: germline.
Comment: This sequence change replaces cysteine, which is neutral and slightly polar, with phenylalanine, which is neutral and non-polar, at codon 105 of the SLC10A2 protein (p.Cys105Phe). This variant is not present in population databases (gnomAD no frequency). This variant has not been reported in the literature in individuals affected with SLC10A2-related conditions. ClinVar contains an entry for this variant (Variation ID: 3711004). Invitae Evidence Modeling of protein sequence and biophysical properties (such as structural, functional, and spatial information, amino acid conservation, physicochemical variation, residue mobility, and thermodynamic stability) has been performed for this missense variant. However, the output from this modeling did not meet the statistical confidence thresholds required to predict the impact of this variant on SLC10A2 protein function. In summary, the available evidence is currently insufficient to determine the role of this variant in disease. Therefore, it has been classified as a Variant of Uncertain Significance.